The following is an entry in ClinVar:

ClinVar aggregate classification (germline): Likely benign. Review status: criteria provided, single submitter (1 of 4 stars). 2 submissions from 2 submitters: Likely benign (1). 1 of the submissions does not count toward it. Last evaluated 2021-10-22.

Conditions:
FAAP24-related disorder. Also called: FAAP24-related condition.

Allele frequency attached by ClinVar (database versions not stated): ExAC 0.00004; gnomAD exomes 0.00004; TOPMed 0.00013; gnomAD 0.00014; 1000 Genomes Project 30x 0.00016; 1000 Genomes Project 0.00020.
gnomAD v4.1: 84 of 1,609,952 alleles (0.0052%); highest among the groups gnomAD compares: African/African-American, 0.057%; no homozygotes.

Submissions (2):

Blueprint Genetics
Classification: Likely benign. Last evaluated: 2021-10-22. Review status: criteria provided, single submitter. Criteria: ACMG Guidelines, 2015. Collection method: clinical testing. Allele origin: germline.

PreventionGenetics, part of Exact Sciences
Classification: Likely benign for FAAP24-related condition. Last evaluated: 2019-07-01. Review status: no assertion criteria provided. Collection method: clinical testing. Allele origin: germline. Not counted in ClinVar's aggregate classification.
Comment: This variant is classified as likely benign based on ACMG/AMP sequence variant interpretation guidelines (Richards et al. 2015 PMID: 25741868, with internal and published modifications).

NM_152266.5(FAAP24):c.396+10G>A

Gene: FAAP24 (FA core complex associated protein 24; plus strand). Cytogenetic location: 19q13.11.
Variant type: single nucleotide variant.
Coding change: c.396+10G>A on transcript NM_152266.5 (MANE Select); 10 bases into the intron after coding-DNA position 396, G replaced by A.
Molecular consequence: intron variant.
Genome position (GRCh38, 1-based): chr19:32,974,222, G>A. VCF-style: chr19-32974222-G-A. GRCh37 (hg19) VCF-style: chr19-33465128-G-A.
Other names: c.111+10G>A (NM_001300978.2).
Identifiers: ClinVar variation 3043244 (VCV003043244.3), dbSNP rs201990820, ClinGen allele CA9360125.